The following is an entry in ClinVar:

ClinVar aggregate classification (germline): Likely pathogenic. Review status: criteria provided, multiple submitters, no conflicts (2 of 4 stars). 4 submissions from 4 submitters: Likely pathogenic (3). 1 of the submissions does not count toward it. Last evaluated 2025-12-09.

Conditions:
MTTP-related disorder. Also called: MTTP-related condition.
Abetalipoproteinaemia (ABL). Also called: MTP DEFICIENCY; Abetalipoproteinemia; Abetalipoproteinemia neuropathy; Apolipoprotein B deficiency; Congenital betalipoprotein deficiency syndrome. Identifiers: Orphanet 14, MedGen C0000744, MONDO:0008692, OMIM 200100, HP:0008181.

Allele frequency attached by ClinVar (database versions not stated): ExAC 0.00001; gnomAD exomes 0.00001; TOPMed 0.00001.

Submissions (4):

Natera, Inc.
Classification: Likely pathogenic for Abetalipoproteinemia. Last evaluated: 2025-12-09. Review status: criteria provided, single submitter. Criteria: Natera Variant Classification Schema (03/2026). Collection method: clinical testing. Allele origin: germline.
Comment: The c.1868-2A>G variant in MTTP is a canonical splice acceptor site variant predicted to affect pre-mRNA splicing, which may result in an abnormal transcript and altered protein product. This variant is expected to result in nonsense mediated decay, truncation, or a dysfunctional protein product. This variant is rare in the general population with a frequency below the threshold expected for the associated phenotype(s). Given the available evidence, this variant is classified as Likely Pathogenic.

Myriad Genetics, Inc.
Classification: Likely pathogenic for Abetalipoproteinaemia. Last evaluated: 2025-06-18. Review status: criteria provided, single submitter. Criteria: Myriad Autosomal Dominant, Autosomal Recessive and X-Linked Classification Criteria (2023). Collection method: clinical testing. Allele origin: unknown.
Comment: NM_000253.2(MTTP):c.1868-2A>G is a variant in a canonical splice site classified as likely pathogenic in the context of abetalipoproteinemia. c.1868-2A>G has not been observed in cases with relevant disease. Relevant functional assessments of this variant are not available in the literature. c.1868-2A>G has been observed in referenced population frequency databases. In summary, NM_000253.2(MTTP):c.1868-2A>G is a variant in a canonical splice site in a gene where loss of function is a known mechanism of disease and is predicted to disrupt protein function. Please note: this variant was assessed in the context of healthy population screening.

Labcorp Genetics (formerly Invitae), Labcorp
Classification: Likely pathogenic. Last evaluated: 2023-10-14. Review status: criteria provided, single submitter. Criteria: Invitae Variant Classification Sherloc (09022015). Collection method: clinical testing. Allele origin: germline.
Comment: This sequence change affects an acceptor splice site in intron 14 of the MTTP gene. It is expected to disrupt RNA splicing. Variants that disrupt the donor or acceptor splice site typically lead to a loss of protein function (PMID: 16199547), and loss-of-function variants in MTTP are known to be pathogenic (PMID: 8533758, 9671739). This variant is present in population databases (rs760547155, gnomAD 0.02%). This variant has not been reported in the literature in individuals affected with MTTP-related conditions. ClinVar contains an entry for this variant (Variation ID: 646677). Algorithms developed to predict the effect of sequence changes on RNA splicing suggest that this variant may disrupt the consensus splice site. In summary, the currently available evidence indicates that the variant is pathogenic, but additional data are needed to prove that conclusively. Therefore, this variant has been classified as Likely Pathogenic.

PreventionGenetics, part of Exact Sciences
Classification: Likely pathogenic for MTTP-related condition. Last evaluated: 2024-02-29. Review status: no assertion criteria provided. Collection method: clinical testing. Allele origin: germline. Not counted in ClinVar's aggregate classification.
Comment: The MTTP c.1868-2A>G variant is predicted to disrupt the AG splice acceptor site and interfere with normal splicing. This variant was reported in an individual with abetalipoproteinemia (Dron et al. 2020. PubMed ID: 32041611 Table S4). This variant is reported in 0.016% of alleles in individuals of East Asian descent in gnomAD. Variants that disrupt the consensus acceptor splice site in MTTP are expected to be pathogenic. This variant is interpreted as likely pathogenic.

Literature cited by the submitters: PubMed 16199547 (cited by Labcorp Genetics (formerly Invitae), Labcorp); PubMed 8533758 (cited by Labcorp Genetics (formerly Invitae), Labcorp); PubMed 9671739 (cited by Labcorp Genetics (formerly Invitae), Labcorp).

NM_001386140.1(MTTP):c.1868-2A>G

Gene: MTTP (microsomal triglyceride transfer protein; plus strand). Cytogenetic location: 4q23.
Variant type: single nucleotide variant.
Coding change: c.1868-2A>G on transcript NM_001386140.1 (MANE Select); the canonical splice acceptor site of the intron before coding-DNA position 1868, A replaced by G.
Molecular consequence: splice acceptor variant.
Genome position (GRCh38, 1-based): chr4:99,611,330, A>G. VCF-style: chr4-99611330-A-G. GRCh37 (hg19) VCF-style: chr4-100532487-A-G.
Other names: c.1868-2A>G (NM_000253.4); c.1619-2A>G (NM_001300785.2).
Identifiers: ClinVar variation 646677 (VCV000646677.14), dbSNP rs760547155, ClinGen allele CA3022231.
Genomic context (GRCh38, chr4:99,611,330, plus strand): 5'-CATACCCCACAACTTAGCATTGCTGGAACTGCTATTAAATTACAGTTATTGTGTGTCATC[A>G]GGTAGTCCCCGTTCGGCATCTACTTACAGCCTAGACATTCTCTACTCGGGTTCTGGCATT-3'